The following is an entry in ClinVar:

NM_000751.3(CHRND):c.1085C>G (p.Ser362Cys)

Gene: CHRND (cholinergic receptor nicotinic delta subunit; plus strand). Cytogenetic location: 2q37.1.
Variant type: single nucleotide variant.
Coding change: c.1085C>G on transcript NM_000751.3 (MANE Select); coding-DNA position 1085, C replaced by G.
Protein change: p.Ser362Cys; replaces serine 362 with cysteine.
Molecular consequence: missense variant.
Genome position (GRCh38, 1-based): chr2:232,533,968, C>G. VCF-style: chr2-232533968-C-G. GRCh37 (hg19) VCF-style: chr2-233398678-C-G.
Other names: c.1040C>G, p.Ser347Cys (NM_001256657.2); c.503C>G, p.Ser168Cys (NM_001311195.2); c.782C>G, p.Ser261Cys (NM_001311196.2); short protein forms S168C, S261C, S347C, S362C.
Identifiers: ClinVar variation 938820 (VCV000938820.9), dbSNP rs1054895490, ClinGen allele CA66957373.

ClinVar aggregate classification (germline): Uncertain significance (1 of 4 stars; one submission).

Conditions:
Lethal multiple pterygium syndrome (LMPS). Identifiers: Orphanet 33108, MedGen C1854678, MONDO:0009668, OMIM 253290.

Submission:

Labcorp Genetics (formerly Invitae), Labcorp
Classification: Uncertain significance for Lethal multiple pterygium syndrome. Last evaluated: 2022-08-09. Review status: criteria provided, single submitter. Criteria: Invitae Variant Classification Sherloc (09022015). Collection method: clinical testing. Allele origin: germline.
Comment: ClinVar contains an entry for this variant (Variation ID: 938820). This variant has not been reported in the literature in individuals affected with CHRND-related conditions. This variant is not present in population databases (gnomAD no frequency). This sequence change replaces serine, which is neutral and polar, with cysteine, which is neutral and slightly polar, at codon 362 of the CHRND protein (p.Ser362Cys). In summary, the available evidence is currently insufficient to determine the role of this variant in disease. Therefore, it has been classified as a Variant of Uncertain Significance. Advanced modeling of protein sequence and biophysical properties (such as structural, functional, and spatial information, amino acid conservation, physicochemical variation, residue mobility, and thermodynamic stability) performed at Invitae indicates that this missense variant is not expected to disrupt CHRND protein function.